The following is an entry in ClinVar:

ClinVar aggregate classification (germline): Uncertain significance. Review status: criteria provided, multiple submitters, no conflicts (2 of 4 stars). 2 submissions from 2 submitters: Uncertain significance (2). Last evaluated 2025-07-28.

Conditions:
Inborn genetic diseases. Identifiers: MedGen C0950123, MeSH D030342.

Allele frequency attached by ClinVar (database versions not stated): gnomAD exomes 0.00002; 1000 Genomes Project 0.00020; TOPMed 0.00002; ExAC 0.00002; gnomAD 0.00003; 1000 Genomes Project 30x 0.00016.
gnomAD v4.1: 36 of 1,614,234 alleles (0.0022%); highest among the groups gnomAD compares: Middle Eastern, 0.016%; no homozygotes.

Submissions (2):

Labcorp Genetics (formerly Invitae), Labcorp
Classification: Uncertain significance. Last evaluated: 2025-07-28. Review status: criteria provided, single submitter. Criteria: Invitae Variant Classification Sherloc (09022015). Collection method: clinical testing. Allele origin: germline.
Comment: This sequence change replaces threonine, which is neutral and polar, with methionine, which is neutral and non-polar, at codon 1086 of the DUOX2 protein (p.Thr1086Met). This variant is present in population databases (rs201362841, gnomAD 0.02%). This variant has not been reported in the literature in individuals affected with DUOX2-related conditions. ClinVar contains an entry for this variant (Variation ID: 2087376). Invitae Evidence Modeling of protein sequence and biophysical properties (such as structural, functional, and spatial information, amino acid conservation, physicochemical variation, residue mobility, and thermodynamic stability) indicates that this missense variant is not expected to disrupt DUOX2 protein function with a negative predictive value of 80%. In summary, the available evidence is currently insufficient to determine the role of this variant in disease. Therefore, it has been classified as a Variant of Uncertain Significance.

Ambry Genetics
Classification: Uncertain significance for Inborn genetic diseases. Last evaluated: 2024-04-26. Review status: criteria provided, single submitter. Criteria: Ambry Variant Classification Scheme 2023. Collection method: clinical testing. Allele origin: germline.

NM_001363711.2(DUOX2):c.3257C>T (p.Thr1086Met)

Gene: DUOX2 (dual oxidase 2; minus strand). Cytogenetic location: 15q21.1.
Variant type: single nucleotide variant.
Coding change: c.3257C>T on transcript NM_001363711.2 (MANE Select); coding-DNA position 3257, C replaced by T.
Protein change: p.Thr1086Met; replaces threonine 1086 with methionine.
Molecular consequence: missense variant.
Genome position (GRCh38, 1-based): chr15:45,099,820, G>A on the plus strand (C>T on the coding strand, the complement: DUOX2 is on the minus strand). VCF-style: chr15-45099820-G-A. GRCh37 (hg19) VCF-style: chr15-45392018-G-A.
Other names: c.3257C>T, p.Thr1086Met (NM_014080.5); c.3257C>T (NM_014080.4); short protein forms T1086M.
Identifiers: ClinVar variation 2087376 (VCV002087376.4), dbSNP rs201362841, ClinGen allele CA7537944.